The following is an entry in ClinVar:

NM_001164665.2(KIAA1549):c.697C>T (p.Arg233Trp)

Gene: KIAA1549 (KIAA1549; minus strand). Cytogenetic location: 7q34.
Variant type: single nucleotide variant.
Coding change: c.697C>T on transcript NM_001164665.2 (MANE Select); coding-DNA position 697, C replaced by T.
Protein change: p.Arg233Trp; replaces arginine 233 with tryptophan.
Molecular consequence: missense variant.
Genome position (GRCh38, 1-based): chr7:138,918,929, G>A on the plus strand (C>T on the coding strand, the complement: KIAA1549 is on the minus strand). VCF-style: chr7-138918929-G-A. GRCh37 (hg19) VCF-style: chr7-138603675-G-A.
Other names: c.697C>T, p.Arg233Trp (NM_020910.3); short protein forms R233W.
Identifiers: ClinVar variation 934793 (VCV000934793.10), dbSNP rs369822469, ClinGen allele CA4506886.

ClinVar aggregate classification (germline): Conflicting classifications of pathogenicity. Review status: criteria provided, conflicting classifications (1 of 4 stars). 5 submissions from 5 submitters: Uncertain significance (4); Likely benign (1). Last evaluated 2025-02-09.

Conditions:
Retinal dystrophy. Also called: Inherited retinal dystrophy. Identifiers: Orphanet 71862, MedGen C0854723, MeSH D058499, MONDO:0019118, HP:0000556.
Inborn genetic diseases. Identifiers: MedGen C0950123, MeSH D030342.

Allele frequency attached by ClinVar (database versions not stated): gnomAD exomes 0.00002; ExAC 0.00003; gnomAD 0.00003 and 0.00004; TOPMed 0.00005; ESP Exome Variant Server 0.00008.
gnomAD v4.1: 51 of 1,613,930 alleles (0.0032%); highest among the groups gnomAD compares: African/African-American, 0.0093%; no homozygotes.

Submissions (5):

Ambry Genetics
Classification: Likely benign for Inborn genetic diseases. Last evaluated: 2025-02-09. Review status: criteria provided, single submitter. Criteria: Ambry Variant Classification Scheme 2023. Collection method: clinical testing. Allele origin: germline.

Blueprint Genetics
Classification: Uncertain significance. Last evaluated: 2024-10-14. Review status: criteria provided, single submitter. Criteria: ACMG Guidelines, 2015. Collection method: clinical testing. Allele origin: germline.

Dept Of Ophthalmology, Nagoya University
Classification: Uncertain significance for Retinal dystrophy. Last evaluated: 2023-10-01. Review status: criteria provided, single submitter. Criteria: Submitter's publication. Collection method: research. Allele origin: germline. Affected: yes.

Labcorp Genetics (formerly Invitae), Labcorp
Classification: Uncertain significance. Last evaluated: 2022-11-01. Review status: criteria provided, single submitter. Criteria: Invitae Variant Classification Sherloc (09022015). Collection method: clinical testing. Allele origin: germline.
Comment: This sequence change replaces arginine, which is basic and polar, with tryptophan, which is neutral and slightly polar, at codon 233 of the KIAA1549 protein (p.Arg233Trp). This variant is present in population databases (rs369822469, gnomAD 0.006%). This variant has not been reported in the literature in individuals affected with KIAA1549-related conditions. ClinVar contains an entry for this variant (Variation ID: 934793). Algorithms developed to predict the effect of missense changes on protein structure and function output the following: SIFT: "Deleterious"; PolyPhen-2: "Benign"; Align-GVGD: "Class C0". The tryptophan amino acid residue is found in multiple mammalian species, which suggests that this missense change does not adversely affect protein function. In summary, the available evidence is currently insufficient to determine the role of this variant in disease. Therefore, it has been classified as a Variant of Uncertain Significance.

Breakthrough Genomics
Classification: Uncertain significance. Review status: criteria provided, single submitter. Criteria: ACMG Guidelines, 2015. Collection method: not provided. Allele origin: germline. Inheritance: Autosomal recessive inheritance. Affected: yes.